The following is an entry in ClinVar:

NM_004260.4(RECQL4):c.2201-3A>G

Gene: RECQL4 (RecQ like helicase 4; minus strand). Cytogenetic location: 8q24.3.
Variant type: single nucleotide variant.
Coding change: c.2201-3A>G on transcript NM_004260.4 (MANE Select); 3 bases into the intron before coding-DNA position 2201, A replaced by G.
Molecular consequence: intron variant.
Genome position (GRCh38, 1-based): chr8:144,513,483, T>C on the plus strand (A>G on the coding strand, the complement: RECQL4 is on the minus strand). VCF-style: chr8-144513483-T-C. GRCh37 (hg19) VCF-style: chr8-145738867-T-C.
Identifiers: ClinVar variation 450209 (VCV000450209.6), dbSNP rs1554898541, ClinGen allele CA658657842.

ClinVar aggregate classification (germline): Conflicting classifications of pathogenicity. Review status: criteria provided, conflicting classifications (1 of 4 stars). 2 submissions from 2 submitters: Likely pathogenic (1); Uncertain significance (1). Last evaluated 2022-05-04.

Conditions:
Baller-Gerold syndrome (BGS). Also called: CRANIOSYNOSTOSIS WITH RADIAL DEFECTS. Identifiers: Orphanet 1225, MedGen C0265308, MONDO:0009039, OMIM 218600.

Allele frequency attached by ClinVar (database versions not stated): gnomAD exomes below 0.00001.
gnomAD v4.1: 1 of 1,610,032 alleles (0.000062%); highest among the groups gnomAD compares: African/African-American, 0.0013%; no homozygotes.

Submissions (2):

Labcorp Genetics (formerly Invitae), Labcorp
Classification: Uncertain significance for Baller-Gerold syndrome. Last evaluated: 2022-05-04. Review status: criteria provided, single submitter. Criteria: Invitae Variant Classification Sherloc (09022015). Collection method: clinical testing. Allele origin: germline.
Comment: This sequence change falls in intron 13 of the RECQL4 gene. It does not directly change the encoded amino acid sequence of the RECQL4 protein. It affects a nucleotide within the consensus splice site. This variant is not present in population databases (gnomAD no frequency). This variant has not been reported in the literature in individuals affected with RECQL4-related conditions. ClinVar contains an entry for this variant (Variation ID: 450209). Variants that disrupt the consensus splice site are a relatively common cause of aberrant splicing (PMID: 17576681, 9536098). Algorithms developed to predict the effect of sequence changes on RNA splicing suggest that this variant may disrupt the consensus splice site. In summary, the available evidence is currently insufficient to determine the role of this variant in disease. Therefore, it has been classified as a Variant of Uncertain Significance.

GeneDx
Classification: Likely pathogenic. Last evaluated: 2019-09-23. Review status: criteria provided, single submitter. Criteria: GeneDx Variant Classification Process June 2021. Collection method: clinical testing. Allele origin: germline. Affected: yes.
Comment: Has not been previously published as pathogenic or benign to our knowledge; Not observed at a significant frequency in large population cohorts (Lek et al., 2016); In silico analysis, which includes splice predictors and evolutionary conservation, supports a deleterious effect

Literature cited by the submitters: PubMed 17576681 (cited by Labcorp Genetics (formerly Invitae), Labcorp); PubMed 9536098 (cited by Labcorp Genetics (formerly Invitae), Labcorp).